The following is an entry in ClinVar:

NM_022167.4(XYLT2):c.1347G>C (p.Glu449Asp)

Gene: XYLT2 (xylosyltransferase 2; plus strand). Cytogenetic location: 17q21.33.
Variant type: single nucleotide variant.
Coding change: c.1347G>C on transcript NM_022167.4 (MANE Select); coding-DNA position 1347, G replaced by C.
Protein change: p.Glu449Asp; replaces glutamic acid 449 with aspartic acid.
Molecular consequence: missense variant.
Genome position (GRCh38, 1-based): chr17:50,356,126, G>C. VCF-style: chr17-50356126-G-C. GRCh37 (hg19) VCF-style: chr17-48433487-G-C.
Other names: short protein forms E449D.
Identifiers: ClinVar variation 1915982 (VCV001915982.5), dbSNP rs748043559, ClinGen allele CA8646431.

ClinVar aggregate classification (germline): Uncertain significance (1 of 4 stars; one submission).

Allele frequency attached by ClinVar (database versions not stated): TOPMed below 0.00001; gnomAD 0.00001; ExAC 0.00002; gnomAD exomes 0.00001.
gnomAD v4.1: 11 of 1,614,128 alleles (0.00068%); highest among the groups gnomAD compares: Admixed American, 0.0017%; no homozygotes.

Submission:

Labcorp Genetics (formerly Invitae), Labcorp
Classification: Uncertain significance. Last evaluated: 2022-08-22. Review status: criteria provided, single submitter. Criteria: Invitae Variant Classification Sherloc (09022015). Collection method: clinical testing. Allele origin: germline.
Comment: In summary, the available evidence is currently insufficient to determine the role of this variant in disease. Therefore, it has been classified as a Variant of Uncertain Significance. Algorithms developed to predict the effect of missense changes on protein structure and function (SIFT, PolyPhen-2, Align-GVGD) all suggest that this variant is likely to be tolerated. This variant has not been reported in the literature in individuals affected with XYLT2-related conditions. This variant is present in population databases (rs748043559, gnomAD 0.003%). This sequence change replaces glutamic acid, which is acidic and polar, with aspartic acid, which is acidic and polar, at codon 449 of the XYLT2 protein (p.Glu449Asp).